The following is an entry in ClinVar:

NM_001009944.3(PKD1):c.9461T>C (p.Leu3154Pro)

Gene: PKD1 (polycystin 1, transient receptor potential channel interacting; minus strand). Cytogenetic location: 16p13.3.
Variant type: single nucleotide variant.
Coding change: c.9461T>C on transcript NM_001009944.3 (MANE Select); coding-DNA position 9461, T replaced by C.
Protein change: p.Leu3154Pro; replaces leucine 3154 with proline.
Molecular consequence: missense variant.
Genome position (GRCh38, 1-based): chr16:2,100,503, A>G on the plus strand (T>C on the coding strand, the complement: PKD1 is on the minus strand). VCF-style: chr16-2100503-A-G. GRCh37 (hg19) VCF-style: chr16-2150504-A-G.
Other names: c.9461T>C, p.Leu3154Pro (NM_000296.4); short protein forms L3154P.
Identifiers: ClinVar variation 3340174 (VCV003340174.2).
Genomic context (GRCh38, chr16:2,100,503, plus strand): 5'-TGCGGGGTGGCGATCCGGAAGATGTCCAGGCTGTTGCGGTGGAAGGCTCTGTCGCCGTCC[A>G]GGTGCCGGTGGCCGCTCCGGCTGTCCACCCCATACAGCATGATGCCCACGTGGGCCGTGG-3'
Protein context (NP_001009944.3, residues 3144-3164): GVDSRSGHRH[Leu3154Pro]DGDRAFHRNS

ClinVar aggregate classification (germline): Uncertain significance. Review status: criteria provided, multiple submitters, no conflicts (2 of 4 stars). 2 submissions from 2 submitters: Uncertain significance (2). Last evaluated 2024-06-04.

Conditions:
Polycystic kidney disease, adult type (PKD1). Also called: Polycystic Kidney, Autosomal Dominant; POLYCYSTIC KIDNEY DISEASE 1 WITH OR WITHOUT POLYCYSTIC LIVER DISEASE; POLYCYSTIC KIDNEY DISEASE, ADULT, TYPE I; Polycystic Kidney Disease 1, Autosomal Dominant; Polycystic kidney disease 1; Polycystic kidney disease 1, severe. Identifiers: MedGen C3149841, MONDO:0008263, OMIM 173900.

Submissions (2):

Fulgent Genetics
Classification: Uncertain significance for Polycystic kidney disease, adult type. Last evaluated: 2024-06-04. Review status: criteria provided, single submitter. Criteria: ACMG Guidelines, 2015. Collection method: clinical testing. Allele origin: germline.

GeneDx
Classification: Uncertain significance. Last evaluated: 2024-03-07. Review status: criteria provided, single submitter. Criteria: GeneDx Variant Classification Process June 2021. Collection method: clinical testing. Allele origin: germline. Affected: yes.
Comment: Not observed at significant frequency in large population cohorts (gnomAD); In silico analysis supports that this missense variant has a deleterious effect on protein structure/function; This variant is associated with the following publications: (PMID: 21115670)